The following is an entry in ClinVar:

NM_000101.4(CYBA):c.155T>C (p.Leu52Pro)

Gene: CYBA (cytochrome b-245 alpha chain; minus strand). Cytogenetic location: 16q24.2.
Variant type: single nucleotide variant.
Coding change: c.155T>C on transcript NM_000101.4 (MANE Select); coding-DNA position 155, T replaced by C.
Protein change: p.Leu52Pro; replaces leucine 52 with proline.
Molecular consequence: missense variant.
Genome position (GRCh38, 1-based): chr16:88,647,149, A>G on the plus strand (T>C on the coding strand, the complement: CYBA is on the minus strand). VCF-style: chr16-88647149-A-G. GRCh37 (hg19) VCF-style: chr16-88713557-A-G.
Other names: c.155T>C (LRG_52t1); short protein forms L52P.
Identifiers: ClinVar variation 68209 (VCV000068209.2), dbSNP rs179363890, ClinGen allele CA219172.

ClinVar aggregate classification (germline): Pathogenic. Review status: criteria provided, single submitter (1 of 4 stars). 2 submissions from 2 submitters: Pathogenic (1). 1 of the submissions does not count toward it. Last evaluated 2015-05-18.

Allele frequency attached by ClinVar (database versions not stated): gnomAD exomes below 0.00001 and 0.00001; gnomAD 0.00001.
gnomAD v4.1: 4 of 1,610,800 alleles (0.00025%); highest among the groups gnomAD compares: South Asian, 0.0033%; no homozygotes.

Submissions (2):

GeneDx
Classification: Pathogenic. Last evaluated: 2015-05-18. Review status: criteria provided, single submitter. Criteria: GeneDx Variant Classification (06012015). Collection method: clinical testing. Allele origin: germline. Affected: yes.
Comment: The L52P variant in the CYBA gene has been reported previously in the apparently homozygous state inan individual with chronic granulomatous disease (Rae et al., 2000). The L52P substitution was not observedin approximately 6,500 individuals of European and African American ancestry in the NHLBI ExomeSequencing Project, indicating it is not a common benign variant in these populations. The L52P variant isa semi-conservative amino acid substitution, which may impact secondary protein structure as theseresidues differ in some properties. This substitution occurs at a position that is conserved across species. Insilico analysis predicts this variant is probably damaging to the protein structure/function. Missensevariants in nearby residues (L51Q, E53V, P55R) have been reported in the Human Gene MutationDatabase in association with chronic granulomatous disease (Stenson et al., 2014), supporting thefunctional importance of this region of the protein. We interpret L52P as a pathogenic variant.

UniProtKB/Swiss-Prot
No classification provided. Review status: no classification provided. Collection method: not provided. Allele origin: germline. Not counted in ClinVar's aggregate classification.